The following is an entry in ClinVar:

ClinVar aggregate classification (germline): Uncertain significance. Review status: criteria provided, multiple submitters, no conflicts (2 of 4 stars). 2 submissions from 2 submitters: Uncertain significance (2). Last evaluated 2025-06-07.

Conditions:
Inborn genetic diseases. Identifiers: MedGen C0950123, MeSH D030342.
EAST syndrome (SESAMES). Also called: SEIZURES, SENSORINEURAL DEAFNESS, ATAXIA, IMPAIRED INTELLECTUAL DEVELOPMENT, AND ELECTROLYTE IMBALANCE. Identifiers: Orphanet 199343, MedGen C2748572, MONDO:0013005, OMIM 612780.

Allele frequency attached by ClinVar (database versions not stated): gnomAD exomes below 0.00001 and 0.00001; TOPMed 0.00001.
gnomAD v4.1: 2 of 1,614,104 alleles (0.00012%); highest among the groups gnomAD compares: African/African-American, 0.0027%; no homozygotes.

Submissions (2):

Ambry Genetics
Classification: Uncertain significance for Inborn genetic diseases. Last evaluated: 2025-06-07. Review status: criteria provided, single submitter. Criteria: Ambry Variant Classification Scheme 2023. Collection method: clinical testing. Allele origin: germline.

Labcorp Genetics (formerly Invitae), Labcorp
Classification: Uncertain significance for EAST syndrome. Last evaluated: 2021-07-18. Review status: criteria provided, single submitter. Criteria: Invitae Variant Classification Sherloc (09022015). Collection method: clinical testing. Allele origin: germline.
Comment: In summary, the available evidence is currently insufficient to determine the role of this variant in disease. Therefore, it has been classified as a Variant of Uncertain Significance. Algorithms developed to predict the effect of missense changes on protein structure and function are either unavailable or do not agree on the potential impact of this missense change (SIFT: "Deleterious"; PolyPhen-2: "Benign"; Align-GVGD: "Class C0"). This variant has not been reported in the literature in individuals with KCNJ10-related conditions. This variant is not present in population databases (ExAC no frequency). This sequence change replaces aspartic acid with glutamic acid at codon 351 of the KCNJ10 protein (p.Asp351Glu). The aspartic acid residue is highly conserved and there is a small physicochemical difference between aspartic acid and glutamic acid.

NM_002241.5(KCNJ10):c.1053C>G (p.Asp351Glu)

Gene: KCNJ10 (potassium inwardly rectifying channel subfamily J member 10; minus strand). Cytogenetic location: 1q23.2.
Variant type: single nucleotide variant.
Coding change: c.1053C>G on transcript NM_002241.5 (MANE Select); coding-DNA position 1053, C replaced by G.
Protein change: p.Asp351Glu; replaces aspartic acid 351 with glutamic acid.
Molecular consequence: missense variant.
Genome position (GRCh38, 1-based): chr1:160,041,480, G>C on the plus strand (C>G on the coding strand, the complement: KCNJ10 is on the minus strand). VCF-style: chr1-160041480-G-C. GRCh37 (hg19) VCF-style: chr1-160011270-G-C.
Other names: c.1053C>G (NM_002241.4); short protein forms D351E.
Identifiers: ClinVar variation 1055860 (VCV001055860.12), dbSNP rs1007318109, ClinGen allele CA31470093.
Genomic context (GRCh38, chr1:160,041,480, plus strand): 5'-GGCACTGCCCTCCTTCTCAGCTTGCTCCCTTAATGACTCCTCCAACTTGAGCTTTTCAGG[G>C]TCTCCGTAGCGTACAGTGCTGTCACGGAGGCCACTAGGAGAGGCCACTTTCACAACTTGG-3'
Protein context (NP_002232.2, residues 341-361): GLRDSTVRYG[Asp351Glu]PEKLKLEESL